The following is an entry in ClinVar:

NM_015355.4(SUZ12):c.2056C>T (p.Gln686Ter)

Gene: SUZ12 (SUZ12 polycomb repressive complex 2 subunit; plus strand). Cytogenetic location: 17q11.2.
Variant type: single nucleotide variant.
Coding change: c.2056C>T on transcript NM_015355.4 (MANE Select); coding-DNA position 2056, C replaced by T.
Protein change: p.Gln686Ter; replaces glutamine 686 with a stop codon.
Molecular consequence: nonsense.
Genome position (GRCh38, 1-based): chr17:31,998,839, C>T. VCF-style: chr17-31998839-C-T. GRCh37 (hg19) VCF-style: chr17-30325858-C-T.
Other names: c.1987C>T, p.Gln663Ter (NM_001321207.2); short protein forms Q663*, Q686*.
Identifiers: ClinVar variation 1306473 (VCV001306473.2), dbSNP rs2142222491, ClinGen allele CA399036722.

ClinVar aggregate classification (germline): Uncertain significance (1 of 4 stars; one submission).

Submission:

GeneDx
Classification: Uncertain significance. Last evaluated: 2019-06-24. Review status: criteria provided, single submitter. Criteria: GeneDx Variant Classification Process June 2021. Collection method: clinical testing. Allele origin: germline. Affected: yes.
Comment: Not observed in large population cohorts (Lek et al., 2016); Nonsense variant predicted to result in protein truncation where the last 54 amino acids are lost in a gene for which loss-of-function is not a known mechanism of disease; Has not been previously published as pathogenic or benign to our knowledge; Variants in candidate genes are classified as variants of uncertain significance in accordance with ACMG guidelines (Richards et al., 2015)